The following is an entry in ClinVar:

ClinVar aggregate classification (germline): Uncertain significance (1 of 4 stars; one submission).

Allele frequency attached by ClinVar (database versions not stated): gnomAD 0.00001; 1000 Genomes Project 30x 0.00016.

Submission:

Laboratory for Molecular Medicine, Mass General Brigham Personalized Medicine
Classification: Uncertain significance. Last evaluated: 2015-02-25. Review status: criteria provided, single submitter. Criteria: LMM Criteria. Collection method: clinical testing. Allele origin: germline. Observed: 1 variant allele.
Comment: The p.Arg1305His variant in MYH14 has not been previously reported in individual s with hearing loss and was absent from large population studies. Computational prediction tools and conservation analyses do not provide strong support for or against an impact to the protein. In summary, the clinical significance of the p .Arg1305His variant is uncertain.

NM_001145809.2(MYH14):c.3914G>A (p.Arg1305His)

Gene: MYH14 (myosin heavy chain 14; plus strand). Cytogenetic location: 19q13.33.
Variant type: single nucleotide variant.
Coding change: c.3914G>A on transcript NM_001145809.2 (MANE Select); coding-DNA position 3914, G replaced by A.
Protein change: p.Arg1305His; replaces arginine 1305 with histidine.
Molecular consequence: missense variant.
Genome position (GRCh38, 1-based): chr19:50,278,171, G>A. VCF-style: chr19-50278171-G-A. GRCh37 (hg19) VCF-style: chr19-50781428-G-A.
Other names: c.3815G>A, p.Arg1272His (NM_001077186.2); c.3791G>A, p.Arg1264His (NM_024729.4); short protein forms R1305H, R1264H, R1272H.
Identifiers: ClinVar variation 228874 (VCV000228874.4), dbSNP rs876657873, ClinGen allele CA10577108.